The following is an entry in ClinVar:

NM_001374259.2(IL12RB2):c.1228C>T (p.Arg410Cys)

Gene: IL12RB2 (interleukin 12 receptor subunit beta 2; plus strand). Cytogenetic location: 1p31.3.
Variant type: single nucleotide variant.
Coding change: c.1228C>T on transcript NM_001374259.2 (MANE Select); coding-DNA position 1228, C replaced by T.
Protein change: p.Arg410Cys; replaces arginine 410 with cysteine.
Molecular consequence: missense variant. On other transcripts: non-coding transcript variant (2).
Genome position (GRCh38, 1-based): chr1:67,351,059, C>T. VCF-style: chr1-67351059-C-T. GRCh37 (hg19) VCF-style: chr1-67816742-C-T.
Other names: c.1228C>T, p.Arg410Cys (NM_001258214.1, NM_001258215.1, NM_001258216.1 and 2 more transcripts); short protein forms R410C.
Identifiers: ClinVar variation 2981797 (VCV002981797.3), dbSNP rs377267228, ClinGen allele CA900431.

ClinVar aggregate classification (germline): Uncertain significance (1 of 4 stars; one submission).

Allele frequency attached by ClinVar (database versions not stated): ExAC 0.00002; ESP Exome Variant Server 0.00008.
gnomAD v4.1: 26 of 1,613,294 alleles (0.0016%); highest among the groups gnomAD compares: Non-Finnish European, 0.0021%; no homozygotes.

Submission:

Labcorp Genetics (formerly Invitae), Labcorp
Classification: Uncertain significance. Last evaluated: 2025-09-03. Review status: criteria provided, single submitter. Criteria: Invitae Variant Classification Sherloc (09022015). Collection method: clinical testing. Allele origin: germline.
Comment: This sequence change replaces arginine, which is basic and polar, with cysteine, which is neutral and slightly polar, at codon 410 of the IL12RB2 protein (p.Arg410Cys). This variant is present in population databases (rs377267228, gnomAD 0.003%). This variant has not been reported in the literature in individuals affected with IL12RB2-related conditions. ClinVar contains an entry for this variant (Variation ID: 2981797). An algorithm developed to predict the effect of missense changes on protein structure and function (PolyPhen-2) suggests that this variant is likely to be disruptive. In summary, the available evidence is currently insufficient to determine the role of this variant in disease. Therefore, it has been classified as a Variant of Uncertain Significance.